The following is an entry in ClinVar:

ClinVar aggregate classification (germline): Uncertain significance (1 of 4 stars; one submission).

Submission:

Labcorp Genetics (formerly Invitae), Labcorp
Classification: Uncertain significance. Last evaluated: 2022-11-22. Review status: criteria provided, single submitter. Criteria: Invitae Variant Classification Sherloc (09022015). Collection method: clinical testing. Allele origin: germline.
Comment: Advanced modeling of protein sequence and biophysical properties (such as structural, functional, and spatial information, amino acid conservation, physicochemical variation, residue mobility, and thermodynamic stability) performed at Invitae indicates that this missense variant is expected to disrupt TRAF3IP1 protein function. In summary, the available evidence is currently insufficient to determine the role of this variant in disease. Therefore, it has been classified as a Variant of Uncertain Significance. ClinVar contains an entry for this variant (Variation ID: 954838). This variant has not been reported in the literature in individuals affected with TRAF3IP1-related conditions. This variant is not present in population databases (gnomAD no frequency). This sequence change replaces glycine, which is neutral and non-polar, with valine, which is neutral and non-polar, at codon 98 of the TRAF3IP1 protein (p.Gly98Val).

NM_015650.4(TRAF3IP1):c.293G>T (p.Gly98Val)

Gene: TRAF3IP1 (TRAF3 interacting protein 1; plus strand). Cytogenetic location: 2q37.3.
Variant type: single nucleotide variant.
Coding change: c.293G>T on transcript NM_015650.4 (MANE Select); coding-DNA position 293, G replaced by T.
Protein change: p.Gly98Val; replaces glycine 98 with valine.
Molecular consequence: missense variant.
Genome position (GRCh38, 1-based): chr2:238,325,909, G>T. VCF-style: chr2-238325909-G-T. GRCh37 (hg19) VCF-style: chr2-239234550-G-T.
Other names: c.293G>T, p.Gly98Val (NM_001139490.1); short protein forms G98V.
Identifiers: ClinVar variation 954838 (VCV000954838.9), dbSNP rs759480850, ClinGen allele CA351242325.